The following is an entry in ClinVar:

NM_006648.4(WNK2):c.4810C>G (p.Leu1604Val)

Gene: WNK2 (WNK lysine deficient protein kinase 2; plus strand). Cytogenetic location: 9q22.31.
Variant type: single nucleotide variant.
Coding change: c.4810C>G on transcript NM_006648.4 (MANE Select); coding-DNA position 4810, C replaced by G.
Protein change: p.Leu1604Val; replaces leucine 1604 with valine.
Molecular consequence: missense variant.
Genome position (GRCh38, 1-based): chr9:93,289,564, C>G. VCF-style: chr9-93289564-C-G. GRCh37 (hg19) VCF-style: chr9-96051846-C-G.
Other names: c.4921C>G, p.Leu1641Val (NM_001282394.3); short protein forms L1604V, L1641V.
Identifiers: ClinVar variation 3816895 (VCV003816895.1).

ClinVar aggregate classification (germline): Uncertain significance (1 of 4 stars; one submission).

Submission:

Ambry Genetics
Classification: Uncertain significance. Last evaluated: 2025-01-22. Review status: criteria provided, single submitter. Criteria: Ambry Variant Classification Scheme 2023. Collection method: clinical testing. Allele origin: germline.
Comment: The p.L1604V variant (also known as c.4810C>G), located in coding exon 19 of the WNK2 gene, results from a C to G substitution at nucleotide position 4810. The leucine at codon 1604 is replaced by valine, an amino acid with highly similar properties. This amino acid position is conserved. In addition, this alteration is predicted to be tolerated by in silico analysis. Based on the available evidence, the clinical significance of this variant remains unclear.